The following is an entry in ClinVar:

NM_001197104.2(KMT2A):c.3111del (p.Ile1037fs)

Gene: KMT2A (lysine methyltransferase 2A; plus strand). Cytogenetic location: 11q23.3.
Variant type: Deletion.
Coding change: c.3111del on transcript NM_001197104.2 (MANE Select); coding-DNA position 3111, one base deleted (T; older notation c.3111delT).
Protein change: p.Ile1037fs; shifts the reading frame from isoleucine 1037.
Molecular consequence: frameshift variant.
Genome position (GRCh38, 1-based): chr11:118,474,270, T deleted; the last of 2 consecutive T bases (chr11:118,474,269-118,474,270); deleting either gives the same sequence. VCF-style (leftmost placement, unchanged base first): chr11-118474268-AT-A. GRCh37 (hg19) VCF-style: chr11-118344983-AT-A.
Other names: c.3111del, p.Ile1037fs (NM_005933.4); c.3210del, p.Ile1070fs (NM_001412597.1); short protein forms I1037fs, I1070fs.
Identifiers: ClinVar variation 4854095 (VCV004854095.1).

ClinVar aggregate classification (germline): Likely pathogenic (1 of 4 stars; one submission).

Conditions:
Wiedemann-Steiner syndrome (WDSTS). Also called: Growth deficiency and mental retardation with facial dysmorphism. Identifiers: Orphanet 319182, MedGen C1854630, MONDO:0011518, OMIM 605130.

Submission:

3billion
Classification: Likely pathogenic for Wiedemann-Steiner syndrome. Last evaluated: 2025-07-28. Review status: criteria provided, single submitter. Criteria: ACMG Guidelines, 2015. Collection method: clinical testing. Allele origin: germline. Affected: yes.
Comment: The variant is not observed in the gnomAD v4.1.0 dataset. Predicted Consequence/Location: Frameshift: predicted to result in a loss or disruption of normal protein function through nonsense-mediated decay (NMD) or protein truncation. Multiple pathogenic variants are reported downstream of the variant. Therefore, this variant is classified as Likely pathogenic according to the recommendation of ACMG/AMP guideline.